The following is an entry in ClinVar:

NM_001352027.3(PHF21A):c.377C>G (p.Ala126Gly)

Gene: PHF21A (PHD finger protein 21A; minus strand). Cytogenetic location: 11p11.2.
Variant type: single nucleotide variant.
Coding change: c.377C>G on transcript NM_001352027.3 (MANE Select); coding-DNA position 377, C replaced by G.
Protein change: p.Ala126Gly; replaces alanine 126 with glycine.
Molecular consequence: missense variant. On other transcripts: non-coding transcript variant (2).
Genome position (GRCh38, 1-based): chr11:45,971,351, G>C on the plus strand (C>G on the coding strand, the complement: PHF21A is on the minus strand). VCF-style: chr11-45971351-G-C. GRCh37 (hg19) VCF-style: chr11-45992902-G-C.
Other names: c.377C>G, p.Ala126Gly (NM_001101802.3, NM_001352025.3, NM_001352026.3 and 5 more transcripts); c.374C>G, p.Ala125Gly (NM_001352030.3); short protein forms A125G, A126G.
Identifiers: ClinVar variation 2855647 (VCV002855647.3), dbSNP rs2498023280, ClinGen allele CA380210500.
Genomic context (GRCh38, chr11:45,971,351, plus strand): 5'-GGCATGGTCGCAGTTGCTGCTTTCAAGACGAGAGGTAGTGTCTTTGTGGTAATCATAGAA[G>C]CTGTAGTTACAGTCTTCTAGGAGACAGGGAAAACAGATATTAGGACACTAAATCTAAACT-3'
Protein context (NP_001338956.1, residues 116-136): LTASQKTVTT[Ala126Gly]SMITTKTLPL

ClinVar aggregate classification (germline): Uncertain significance (1 of 4 stars; one submission).

Allele frequency attached by ClinVar (database versions not stated): gnomAD exomes below 0.00001.
gnomAD v4.1: 5 of 1,614,004 alleles (0.00031%); highest among the groups gnomAD compares: Non-Finnish European, 0.00042%; no homozygotes.

Submission:

Labcorp Genetics (formerly Invitae), Labcorp
Classification: Uncertain significance. Last evaluated: 2023-07-17. Review status: criteria provided, single submitter. Criteria: Invitae Variant Classification Sherloc (09022015). Collection method: clinical testing. Allele origin: germline.
Comment: This sequence change replaces alanine, which is neutral and non-polar, with glycine, which is neutral and non-polar, at codon 126 of the PHF21A protein (p.Ala126Gly). This variant is not present in population databases (gnomAD no frequency). This variant has not been reported in the literature in individuals affected with PHF21A-related conditions. Advanced modeling of protein sequence and biophysical properties (such as structural, functional, and spatial information, amino acid conservation, physicochemical variation, residue mobility, and thermodynamic stability) performed at Invitae indicates that this missense variant is not expected to disrupt PHF21A protein function. In summary, the available evidence is currently insufficient to determine the role of this variant in disease. Therefore, it has been classified as a Variant of Uncertain Significance.